The following is an entry in ClinVar:

ClinVar aggregate classification (germline): Benign/Likely benign. Review status: criteria provided, multiple submitters, no conflicts (2 of 4 stars). 3 submissions from 3 submitters: Benign (1); Likely benign (1). 1 of the submissions does not count toward it. Last evaluated 2025-01-17.

Conditions:
Familial cancer of breast. Also called: BREAST CANCER, FAMILIAL; Hereditary breast cancer; hereditary breast carcinoma. Identifiers: Orphanet 227535, MedGen C0346153, MONDO:0016419, OMIM 114480. Disease mechanism: loss of function.

Submissions (3):

Myriad Genetics, Inc.
Classification: Benign for Familial cancer of breast. Last evaluated: 2025-01-17. Review status: criteria provided, single submitter. Criteria: Myriad Autosomal Dominant, Autosomal Recessive and X-Linked Classification Criteria (2023). Collection method: clinical testing. Allele origin: unknown.
Comment: This variant is considered benign. This variant is a silent/synonymous amino acid change and it is not expected to impact splicing.

Labcorp Genetics (formerly Invitae), Labcorp
Classification: Likely benign for Familial cancer of breast. Last evaluated: 2020-03-25. Review status: criteria provided, single submitter. Criteria: Invitae Variant Classification Sherloc (09022015). Collection method: clinical testing. Allele origin: germline.

Leiden Open Variation Database
Classification: Uncertain significance. Last evaluated: 2018-10-10. Review status: no assertion criteria provided. Collection method: curation. Allele origin: germline. Affected: yes. Not counted in ClinVar's aggregate classification.
Comment: Curators: Marc Tischkowitz, Arleen D. Auerbach. Submitter to LOVD: Yukihide Momozawa.

Literature cited by the submitters: PubMed 30287823 (cited by Leiden Open Variation Database).

NM_024675.4(PALB2):c.2640C>G (p.Ala880=)

Gene: PALB2 (partner and localizer of BRCA2; minus strand). Cytogenetic location: 16p12.2.
Variant type: single nucleotide variant.
Coding change: c.2640C>G on transcript NM_024675.4 (MANE Select); coding-DNA position 2640, C replaced by G.
Protein change: p.Ala880=; no amino-acid change (alanine 880 retained).
Molecular consequence: synonymous variant.
Genome position (GRCh38, 1-based): chr16:23,626,344, G>C on the plus strand (C>G on the coding strand, the complement: PALB2 is on the minus strand). VCF-style: chr16-23626344-G-C. GRCh37 (hg19) VCF-style: chr16-23637665-G-C.
Identifiers: ClinVar variation 830177 (VCV000830177.12), dbSNP rs752928633, ClinGen allele CA494161269.